The following is an entry in ClinVar:

NM_006031.6(PCNT):c.5634C>G (p.Asp1878Glu)

Gene: PCNT (pericentrin; plus strand). Cytogenetic location: 21q22.3.
Variant type: single nucleotide variant.
Coding change: c.5634C>G on transcript NM_006031.6 (MANE Select); coding-DNA position 5634, C replaced by G.
Protein change: p.Asp1878Glu; replaces aspartic acid 1878 with glutamic acid.
Molecular consequence: missense variant.
Genome position (GRCh38, 1-based): chr21:46,411,707, C>G. VCF-style: chr21-46411707-C-G. GRCh37 (hg19) VCF-style: chr21-47831621-C-G.
Other names: c.5280C>G, p.Asp1760Glu (NM_001315529.2); short protein forms D1878E, D1760E.
Identifiers: ClinVar variation 4984125 (VCV004984125.1).

ClinVar aggregate classification (germline): Uncertain significance (1 of 4 stars; one submission).

Conditions:
PCNT-related disorder. Also called: PCNT-related condition.

Submission:

PreventionGenetics, part of Exact Sciences
Classification: Uncertain significance for PCNT-related condition. Last evaluated: 2026-05-19. Review status: criteria provided, single submitter. Criteria: ACMG Guidelines, 2015. Collection method: clinical testing. Allele origin: germline.
Comment: The PCNT c.5634C>G variant is predicted to result in the amino acid substitution p.Asp1878Glu. To our knowledge, this variant has not been reported in the literature. This variant is reported in 0.00092% of alleles in individuals of European (Non-Finnish) descent in gnomAD. At this time, the clinical significance of this variant is uncertain due to the absence of conclusive functional and genetic evidence.